The following is an entry in ClinVar:

ClinVar aggregate classification (germline): Uncertain significance (1 of 4 stars; one submission).

Conditions:
3-Methylglutaconic aciduria type 3 (MGCA3). Also called: Costeff Syndrome; OPA3, AUTOSOMAL RECESSIVE; OPTIC ATROPHY 3, AUTOSOMAL RECESSIVE; OPA3-Related 3-Methylglutaconic Aciduria. Identifiers: Orphanet 67047, MedGen C0574084, MONDO:0009787, OMIM 258501.

Allele frequency attached by ClinVar (database versions not stated): gnomAD exomes 0.00001.
gnomAD v4.1: 3 of 1,610,026 alleles (0.00019%); highest among the groups gnomAD compares: Non-Finnish European, 0.00025%; no homozygotes.

Submission:

Molecular Genetics, Royal Melbourne Hospital
Classification: Uncertain significance for 3-Methylglutaconic aciduria type 3. Last evaluated: 2024-02-05. Review status: criteria provided, single submitter. Criteria: ACMG Guidelines, 2015. Collection method: clinical testing. Allele origin: germline. Inheritance: Autosomal recessive inheritance. Affected: yes.
Comment: This sequence change in OPA3 is predicted to replace arginine with proline at codon 59, p.(Arg59Pro). Conservation data is uninformative for the region of the protein containing the arginine residue (100 vertebrates, Multiz Alignments). There is a large physicochemical difference between arginine and proline. The highest population minor allele frequency in the population database gnomAD v4.0 is 0.0009% (3/347,142 alleles) in the European (non-Finnish) population, which is consistent with recessive disease. To our knowledge, this variant has not been previously reported in the relevant scientific literature or databases. Computational evidence predicts a deleterious effect for the missense substitution (REVEL = 0.795). Based on the classification scheme RMH Modified ACMG/AMP Guidelines v1.6.1, this variant is classified as a VARIANT OF UNCERTAIN SIGNIFICANCE. Following criteria are met: PM2_Supporting, PM3_Supporting, PP3.

NM_025136.4(OPA3):c.176G>C (p.Arg59Pro)

Genes: OPA3 (outer mitochondrial membrane lipid metabolism regulator OPA3; minus strand), OPA3-RTN2 (OPA3-RTN2 readthrough; minus strand). Cytogenetic location: 19q13.32.
Variant type: single nucleotide variant.
Coding change: c.176G>C on transcript NM_025136.4 (MANE Select); coding-DNA position 176, G replaced by C.
Protein change: p.Arg59Pro; replaces arginine 59 with proline.
Molecular consequence: missense variant. On other transcripts: intron variant (1).
Genome position (GRCh38, 1-based): chr19:45,553,878, C>G on the plus strand (G>C on the coding strand, the complement: OPA3 is on the minus strand). VCF-style: chr19-45553878-C-G. GRCh37 (hg19) VCF-style: chr19-46057136-C-G.
Other names: c.143-24422G>C (NM_001017989.3); short protein forms R59P.
Identifiers: ClinVar variation 3068598 (VCV003068598.1), dbSNP rs2513824711, ClinGen allele CA406371362.